The following is an entry in ClinVar:

ClinVar aggregate classification (germline): Pathogenic (1 of 4 stars; one submission).

Allele frequency attached by ClinVar (database versions not stated): gnomAD exomes below 0.00001.
gnomAD v4.1: 2 of 1,604,064 alleles (0.00012%); highest among the groups gnomAD compares: South Asian, 0.0011%; no homozygotes.

Submission:

Labcorp Genetics (formerly Invitae), Labcorp
Classification: Pathogenic. Last evaluated: 2023-10-22. Review status: criteria provided, single submitter. Criteria: Invitae Variant Classification Sherloc (09022015). Collection method: clinical testing. Allele origin: germline.
Comment: This sequence change creates a premature translational stop signal (p.Ser900*) in the CEP152 gene. It is expected to result in an absent or disrupted protein product. Loss-of-function variants in CEP152 are known to be pathogenic (PMID: 21131973). This variant is not present in population databases (gnomAD no frequency). This variant has not been reported in the literature in individuals affected with CEP152-related conditions. For these reasons, this variant has been classified as Pathogenic.

Literature cited by the submitters: PubMed 21131973.

NM_001194998.2(CEP152):c.2699C>A (p.Ser900Ter)

Gene: CEP152 (centrosomal protein 152; minus strand). Cytogenetic location: 15q21.1.
Variant type: single nucleotide variant.
Coding change: c.2699C>A on transcript NM_001194998.2 (MANE Select); coding-DNA position 2699, C replaced by A.
Protein change: p.Ser900Ter; replaces serine 900 with a stop codon.
Molecular consequence: nonsense.
Genome position (GRCh38, 1-based): chr15:48,756,549, G>T on the plus strand (C>A on the coding strand, the complement: CEP152 is on the minus strand). VCF-style: chr15-48756549-G-T. GRCh37 (hg19) VCF-style: chr15-49048746-G-T.
Other names: c.2699C>A, p.Ser900Ter (NM_014985.4); short protein forms S900*.
Identifiers: ClinVar variation 2879976 (VCV002879976.3), dbSNP rs1894288661, ClinGen allele CA392343711.
Genomic context (GRCh38, chr15:48,756,549, plus strand): 5'-TTTTTCCTCATATTTTCAAGCTCACTCTTCCATTTCTCTTTAGCTTCAGAAACAGCAAAT[G>T]ATATCTAAAGAACATAACAACATGCATTTTGAAAGTCTTTATGATTCTCCTCCTTCGCAA-3'